The following is an entry in ClinVar:

NM_032608.7(MYO18B):c.1532A>G (p.Tyr511Cys)

Gene: MYO18B (myosin XVIIIB; plus strand). Cytogenetic location: 22q12.1.
Variant type: single nucleotide variant.
Coding change: c.1532A>G on transcript NM_032608.7 (MANE Select); coding-DNA position 1532, A replaced by G.
Protein change: p.Tyr511Cys; replaces tyrosine 511 with cysteine.
Molecular consequence: missense variant.
Genome position (GRCh38, 1-based): chr22:25,770,129, A>G. VCF-style: chr22-25770129-A-G. GRCh37 (hg19) VCF-style: chr22-26166096-A-G.
Other names: c.1532A>G, p.Tyr511Cys (NM_001318245.2); short protein forms Y511C.
Identifiers: ClinVar variation 1975049 (VCV001975049.5), dbSNP rs756650089, ClinGen allele CA10159871.

ClinVar aggregate classification (germline): Uncertain significance (1 of 4 stars; one submission).

Allele frequency attached by ClinVar (database versions not stated): gnomAD 0.00001; gnomAD exomes 0.00001; TOPMed 0.00001; ExAC 0.00002.
gnomAD v4.1: 17 of 1,613,806 alleles (0.0011%); highest among the groups gnomAD compares: Admixed American, 0.0017%; no homozygotes.

Submission:

Labcorp Genetics (formerly Invitae), Labcorp
Classification: Uncertain significance. Last evaluated: 2022-08-04. Review status: criteria provided, single submitter. Criteria: Invitae Variant Classification Sherloc (09022015). Collection method: clinical testing. Allele origin: germline.
Comment: This variant has not been reported in the literature in individuals affected with MYO18B-related conditions. This sequence change replaces tyrosine, which is neutral and polar, with cysteine, which is neutral and slightly polar, at codon 511 of the MYO18B protein (p.Tyr511Cys). This variant is present in population databases (rs756650089, gnomAD 0.002%). Algorithms developed to predict the effect of missense changes on protein structure and function are either unavailable or do not agree on the potential impact of this missense change (SIFT: "Not Available"; PolyPhen-2: "Probably Damaging"; Align-GVGD: "Not Available"). In summary, the available evidence is currently insufficient to determine the role of this variant in disease. Therefore, it has been classified as a Variant of Uncertain Significance.